The following is an entry in ClinVar:

ClinVar aggregate classification (germline): Conflicting classifications of pathogenicity. Review status: criteria provided, conflicting classifications (1 of 4 stars). 6 submissions from 6 submitters: Uncertain significance (5); Likely benign (1). Last evaluated 2026-01-11.

Conditions:
Inborn genetic diseases. Identifiers: MedGen C0950123, MeSH D030342.

Allele frequency attached by ClinVar (database versions not stated): gnomAD exomes 0.00002 and 0.00006; ExAC 0.00003; TOPMed 0.00003; gnomAD 0.00005 and 0.00006.
gnomAD v4.1: 91 of 1,612,808 alleles (0.0056%); highest among the groups gnomAD compares: Non-Finnish European, 0.0076%; no homozygotes.

Submissions (6):

Labcorp Genetics (formerly Invitae), Labcorp
Classification: Likely benign. Last evaluated: 2026-01-11. Review status: criteria provided, single submitter. Criteria: Invitae Variant Classification Sherloc (09022015). Collection method: clinical testing. Allele origin: germline.

Ambry Genetics
Classification: Uncertain significance for Inborn genetic diseases. Last evaluated: 2024-08-20. Review status: criteria provided, single submitter. Criteria: Ambry Variant Classification Scheme 2023. Collection method: clinical testing. Allele origin: germline.

Women's Health and Genetics/Laboratory Corporation of America, LabCorp
Classification: Uncertain significance. Last evaluated: 2024-04-16. Review status: criteria provided, single submitter. Criteria: LabCorp Variant Classification Summary - May 2015. Collection method: clinical testing. Allele origin: germline.
Comment: Variant summary: ADGRV1 c.12778G>T (p.Val4260Leu) results in a conservative amino acid change located in the Na-Ca exchanger/integrin-beta4 (IPR003644) of the encoded protein sequence. Three of five in-silico tools predict a benign effect of the variant on protein function. The variant allele was found at a frequency of 2.4e-05 in 247922 control chromosomes. The available data on variant occurrences in the general population are insufficient to allow any conclusion about variant significance. To our knowledge, no occurrence of c.12778G>T in individuals affected with ADGRV1-Related Disorders and no experimental evidence demonstrating its impact on protein function have been reported. ClinVar contains an entry for this variant (Variation ID: 502425). Based on the evidence outlined above, the variant was classified as uncertain significance.

Blueprint Genetics
Classification: Uncertain significance. Last evaluated: 2022-06-03. Review status: criteria provided, single submitter. Criteria: ACMG Guidelines, 2015. Collection method: clinical testing. Allele origin: germline.

Mayo Clinic Laboratories, Mayo Clinic
Classification: Uncertain significance. Last evaluated: 2022-01-18. Review status: criteria provided, single submitter. Criteria: ACMG Guidelines, 2015. Collection method: clinical testing. Allele origin: germline. Observed: 1 variant allele.
Comment: BP4, PM2

Eurofins Ntd Llc (ga)
Classification: Uncertain significance. Last evaluated: 2017-06-14. Review status: criteria provided, single submitter. Criteria: EGL Classification Definitions 2015. Collection method: clinical testing. Allele origin: germline. Observed: 1 variant allele, 1 heterozygote.

NM_032119.4(ADGRV1):c.12778G>T (p.Val4260Leu)

Gene: ADGRV1 (adhesion G protein-coupled receptor V1; plus strand). Cytogenetic location: 5q14.3.
Variant type: single nucleotide variant.
Coding change: c.12778G>T on transcript NM_032119.4 (MANE Select); coding-DNA position 12778, G replaced by T.
Protein change: p.Val4260Leu; replaces valine 4260 with leucine.
Molecular consequence: missense variant. On other transcripts: non-coding transcript variant (1).
Genome position (GRCh38, 1-based): chr5:90,778,538, G>T. VCF-style: chr5-90778538-G-T. GRCh37 (hg19) VCF-style: chr5-90074355-G-T.
Other names: p.Val4260Leu; c.12778G>T (NM_032119.3); short protein forms V4260L.
Identifiers: ClinVar variation 502425 (VCV000502425.17), dbSNP rs773072116, ClinGen allele CA3341330.